The following is an entry in ClinVar:

ClinVar aggregate classification (germline): Uncertain significance (1 of 4 stars; one submission).

Conditions:
STAT3 gain of function. Identifiers: MedGen C4288261.
Hyper-IgE recurrent infection syndrome 1, autosomal dominant. Also called: STAT3 Hyper IgE Syndrome; HYPER-IgE SYNDROME 1, AUTOSOMAL DOMINANT, WITH RECURRENT INFECTIONS; JOB SYNDROME; Job's Syndrome; Hyper-IgE recurrent infection syndrome 1. Identifiers: Orphanet 2314, MedGen C2936739, MONDO:0007818, OMIM 147060.

Submission:

Labcorp Genetics (formerly Invitae), Labcorp
Classification: Uncertain significance for STAT3 gain of function; Hyper-IgE recurrent infection syndrome 1, autosomal dominant. Last evaluated: 2022-07-19. Review status: criteria provided, single submitter. Criteria: Invitae Variant Classification Sherloc (09022015). Collection method: clinical testing. Allele origin: germline.
Comment: This sequence change replaces aspartic acid, which is acidic and polar, with asparagine, which is neutral and polar, at codon 170 of the STAT3 protein (p.Asp170Asn). In summary, the available evidence is currently insufficient to determine the role of this variant in disease. Therefore, it has been classified as a Variant of Uncertain Significance. Algorithms developed to predict the effect of missense changes on protein structure and function are either unavailable or do not agree on the potential impact of this missense change (SIFT: "Deleterious"; PolyPhen-2: "Probably Damaging"; Align-GVGD: "Class C0"). ClinVar contains an entry for this variant (Variation ID: 1500104). This variant has not been reported in the literature in individuals affected with STAT3-related conditions. This variant is not present in population databases (gnomAD no frequency).

NM_139276.3(STAT3):c.508G>A (p.Asp170Asn)

Gene: STAT3 (signal transducer and activator of transcription 3; minus strand). Cytogenetic location: 17q21.2.
Variant type: single nucleotide variant.
Coding change: c.508G>A on transcript NM_139276.3 (MANE Select); coding-DNA position 508, G replaced by A.
Protein change: p.Asp170Asn; replaces aspartic acid 170 with asparagine.
Molecular consequence: missense variant.
Genome position (GRCh38, 1-based): chr17:42,338,773, C>T on the plus strand (G>A on the coding strand, the complement: STAT3 is on the minus strand). VCF-style: chr17-42338773-C-T. GRCh37 (hg19) VCF-style: chr17-40490791-C-T.
Other names: c.508G>A, p.Asp170Asn (NM_001369512.1, NM_001369513.1, NM_001369514.1 and 15 more transcripts); c.430G>A, p.Asp144Asn (NM_001384985.1); c.412G>A, p.Asp138Asn (NM_001384989.1); short protein forms D138N, D144N, D170N.
Identifiers: ClinVar variation 1500104 (VCV001500104.8), dbSNP rs2144887991, ClinGen allele CA399594775.
Genomic context (GRCh38, chr17:42,338,773, plus strand): 5'-TCTCTAATATTCACTTGCCTCCTTGACTCTTGAGGGTTTTATAGTTGAAATCAAAGTCAT[C>T]CTGGAGATTCTCTACCACTTTCATTTTCTGTTCTAGATCCTGTTTAAAATAAGCAAACAA-3'
Protein context (NP_644805.1, residues 160-180): QKMKVVENLQ[Asp170Asn]DFDFNYKTLK